The following is an entry in ClinVar:

NM_001378156.1(C1QB):c.725G>C (p.Gly242Ala)

Gene: C1QB (complement C1q B chain; plus strand). Cytogenetic location: 1p36.12.
Variant type: single nucleotide variant.
Coding change: c.725G>C on transcript NM_001378156.1 (MANE Select); coding-DNA position 725, G replaced by C.
Protein change: p.Gly242Ala; replaces glycine 242 with alanine.
Molecular consequence: missense variant.
Genome position (GRCh38, 1-based): chr1:22,661,355, G>C. VCF-style: chr1-22661355-G-C. GRCh37 (hg19) VCF-style: chr1-22987848-G-C.
Other names: c.731G>C, p.Gly244Ala (NM_000491.5); c.725G>C, p.Gly242Ala (NM_001371184.3); short protein forms G242A, G244A.
Identifiers: ClinVar variation 1470006 (VCV001470006.8), dbSNP rs2148306572, ClinGen allele CA338950054.

ClinVar aggregate classification (germline): Uncertain significance (1 of 4 stars; one submission).

Submission:

Labcorp Genetics (formerly Invitae), Labcorp
Classification: Uncertain significance. Last evaluated: 2023-11-28. Review status: criteria provided, single submitter. Criteria: Invitae Variant Classification Sherloc (09022015). Collection method: clinical testing. Allele origin: germline.
Comment: This sequence change replaces glycine, which is neutral and non-polar, with alanine, which is neutral and non-polar, at codon 244 of the C1QB protein (p.Gly244Ala). This variant is not present in population databases (gnomAD no frequency). This variant has not been reported in the literature in individuals affected with C1QB-related conditions. ClinVar contains an entry for this variant (Variation ID: 1470006). Advanced modeling of protein sequence and biophysical properties (such as structural, functional, and spatial information, amino acid conservation, physicochemical variation, residue mobility, and thermodynamic stability) performed at Invitae indicates that this missense variant is expected to disrupt C1QB protein function with a positive predictive value of 80%. This variant disrupts the p.Gly244 amino acid residue in C1QB. Other variant(s) that disrupt this residue have been determined to be pathogenic (PMID: 17513176). This suggests that this residue is clinically significant, and that variants that disrupt this residue are likely to be disease-causing. In summary, the available evidence is currently insufficient to determine the role of this variant in disease. Therefore, it has been classified as a Variant of Uncertain Significance.

Literature cited by the submitters: PubMed 17513176.